The following is an entry in ClinVar:

NM_001130144.3(LTBP3):c.3509G>C (p.Trp1170Ser)

Gene: LTBP3 (latent transforming growth factor beta binding protein 3; minus strand). Cytogenetic location: 11q13.1.
Variant type: single nucleotide variant.
Coding change: c.3509G>C on transcript NM_001130144.3 (MANE Select); coding-DNA position 3509, G replaced by C.
Protein change: p.Trp1170Ser; replaces tryptophan 1170 with serine.
Molecular consequence: missense variant.
Genome position (GRCh38, 1-based): chr11:65,539,758, C>G on the plus strand (G>C on the coding strand, the complement: LTBP3 is on the minus strand). VCF-style: chr11-65539758-C-G. GRCh37 (hg19) VCF-style: chr11-65307229-C-G.
Other names: c.3509G>C (NM_001130144.2); c.3017G>C, p.Trp1006Ser (NM_001164266.1); c.3368G>C, p.Trp1123Ser (NM_021070.4); short protein forms W1123S, W1006S, W1170S.
Identifiers: ClinVar variation 3685257 (VCV003685257.3).
Genomic context (GRCh38, chr11:65,539,758, plus strand): 5'-AACTCCTCCCCGACTGCCTTACCCGCGCCGCGCGGCGGGCACGGTCGGCATTGGGCGCCC[C>G]AGCCGCGGCCCTGGCGGCAGCAGCAGTCGTCGAAGGTGAGGGCAGGCCCGGCCAGGGGGC-3'
Protein context (NP_001123616.1, residues 1160-1180): DDCCCRQGRG[Trp1170Ser]GAQCRPCPPR

ClinVar aggregate classification (germline): Uncertain significance. Review status: criteria provided, multiple submitters, no conflicts (2 of 4 stars). 2 submissions from 2 submitters: Uncertain significance (2). Last evaluated 2026-09-07.

Conditions:
Brachyolmia-amelogenesis imperfecta syndrome. Also called: PLATYSPONDYLY WITH AMELOGENESIS IMPERFECTA; Tooth agenesis, selective, 6; Dental anomalies and short stature. Identifiers: Orphanet 2899, MedGen C1832594, MONDO:0011018, OMIM 601216. Disease mechanism: loss of function.
Inborn genetic diseases. Identifiers: MedGen C0950123, MeSH D030342.

gnomAD v4.1: 5 of 1,544,884 alleles (0.00032%); highest among the groups gnomAD compares: Non-Finnish European, 0.00043%; no homozygotes.

Submissions (2):

Ambry Genetics
Classification: Uncertain significance for Inborn genetic diseases. Last evaluated: 2026-09-07. Review status: criteria provided, single submitter. Criteria: Ambry Variant Classification Scheme 2023. Collection method: clinical testing. Allele origin: germline.
Comment: The p.W1170S variant (also known as c.3509G>C), located in coding exon 25 of the LTBP3 gene, results from a G to C substitution at nucleotide position 3509. The tryptophan at codon 1170 is replaced by serine, an amino acid with highly dissimilar properties. This amino acid position is conserved. In addition, this alteration is predicted to be deleterious by in silico analysis. Based on the available evidence, the clinical significance of this variant remains unclear.

Labcorp Genetics (formerly Invitae), Labcorp
Classification: Uncertain significance for Brachyolmia-amelogenesis imperfecta syndrome. Last evaluated: 2024-12-08. Review status: criteria provided, single submitter. Criteria: Invitae Variant Classification Sherloc (09022015). Collection method: clinical testing. Allele origin: germline.
Comment: This sequence change replaces tryptophan, which is neutral and slightly polar, with serine, which is neutral and polar, at codon 1170 of the LTBP3 protein (p.Trp1170Ser). This variant is not present in population databases (gnomAD no frequency). This variant has not been reported in the literature in individuals affected with LTBP3-related conditions. An algorithm developed to predict the effect of missense changes on protein structure and function (PolyPhen-2) suggests that this variant is likely to be disruptive. In summary, the available evidence is currently insufficient to determine the role of this variant in disease. Therefore, it has been classified as a Variant of Uncertain Significance.